The following is an entry in ClinVar:

ClinVar aggregate classification (germline): Uncertain significance. Review status: criteria provided, multiple submitters, no conflicts (2 of 4 stars). 2 submissions from 2 submitters: Uncertain significance (2). Last evaluated 2023-04-07.

Conditions:
Hereditary cancer-predisposing syndrome. Also called: Hereditary neoplastic syndrome; Neoplastic Syndromes, Hereditary; Tumor predisposition; Hereditary Cancer Syndrome. Identifiers: Orphanet 140162, MedGen C0027672, MeSH D009386, MONDO:0015356.
Microcephaly, normal intelligence and immunodeficiency (NBS). Also called: IMMUNODEFICIENCY, MICROCEPHALY, AND CHROMOSOMAL INSTABILITY; SEEMANOVA SYNDROME II; Nijmegen breakage syndrome; Microcephaly with normal intelligence immunodeficiency and lymphoreticular malignancies; Nonsyndromal microcephaly autosomal recessive with normal intelligence; Seemanova syndrome 2. Identifiers: Orphanet 647, MedGen C0398791, MONDO:0009623, OMIM 251260.

Submissions (2):

Ambry Genetics
Classification: Uncertain significance for Hereditary cancer-predisposing syndrome. Last evaluated: 2023-04-07. Review status: criteria provided, single submitter. Criteria: Ambry Variant Classification Scheme 2023. Collection method: clinical testing. Allele origin: germline.
Comment: The p.E564G variant (also known as c.1691A>G), located in coding exon 11 of the NBN gene, results from an A to G substitution at nucleotide position 1691. The glutamic acid at codon 564 is replaced by glycine, an amino acid with similar properties. This amino acid position is well conserved in available vertebrate species. In addition, this alteration is predicted to be tolerated by in silico analysis. Since supporting evidence is limited at this time, the clinical significance of this alteration remains unclear.

Labcorp Genetics (formerly Invitae), Labcorp
Classification: Uncertain significance for Microcephaly, normal intelligence and immunodeficiency. Last evaluated: 2021-08-28. Review status: criteria provided, single submitter. Criteria: Invitae Variant Classification Sherloc (09022015). Collection method: clinical testing. Allele origin: germline.
Comment: This sequence change replaces glutamic acid with glycine at codon 564 of the NBN protein (p.Glu564Gly). The glutamic acid residue is moderately conserved and there is a moderate physicochemical difference between glutamic acid and glycine. This variant is not present in population databases (ExAC no frequency). This variant has not been reported in the literature in individuals affected with NBN-related conditions. ClinVar contains an entry for this variant (Variation ID: 461519). Algorithms developed to predict the effect of missense changes on protein structure and function are either unavailable or do not agree on the potential impact of this missense change (SIFT: "Deleterious"; PolyPhen-2: "Possibly Damaging"; Align-GVGD: "Class C0"). In summary, the available evidence is currently insufficient to determine the role of this variant in disease. Therefore, it has been classified as a Variant of Uncertain Significance.

NM_002485.5(NBN):c.1691A>G (p.Glu564Gly)

Gene: NBN (nibrin; minus strand). Cytogenetic location: 8q21.3.
Variant type: single nucleotide variant.
Coding change: c.1691A>G on transcript NM_002485.5 (MANE Select); coding-DNA position 1691, A replaced by G.
Protein change: p.Glu564Gly; replaces glutamic acid 564 with glycine.
Molecular consequence: missense variant.
Genome position (GRCh38, 1-based): chr8:89,953,398, T>C on the plus strand (A>G on the coding strand, the complement: NBN is on the minus strand). VCF-style: chr8-89953398-T-C. GRCh37 (hg19) VCF-style: chr8-90965626-T-C.
Other names: c.1445A>G, p.Glu482Gly (NM_001024688.3); short protein forms E564G, E482G.
Identifiers: ClinVar variation 461519 (VCV000461519.8), dbSNP rs1554558323, ClinGen allele CA371655310.
Genomic context (GRCh38, chr8:89,953,398, plus strand): 5'-TCCTGTTTTTGAACTTTCACATCAATTTCTAACTCTGGTTTTGTGTCCTTGAATAACTGT[T>C]CCAATACTTCATCTTCTATGGCCACATCATCCATTTCCCTTTTTTTATTTGATCTTAGCT-3'
Protein context (NP_002476.2, residues 554-574): DDVAIEDEVL[Glu564Gly]QLFKDTKPEL